The following is an entry in ClinVar:

ClinVar aggregate classification (germline): Benign. Review status: reviewed by expert panel (3 of 4 stars). 19 submissions from 19 submitters: Benign (1). 18 of the submissions do not count toward it. Last evaluated 2019-06-18.

Conditions:
BRCA2-related disorder. Also called: BRCA2-related condition; BRCA2-related disorders. Identifiers: MedGen CN239275.
Breast and/or ovarian cancer. Identifiers: MedGen CN221562.
Hereditary cancer-predisposing syndrome. Also called: Neoplastic Syndromes, Hereditary; Tumor predisposition; Hereditary Cancer Syndrome; Hereditary neoplastic syndrome. Identifiers: Orphanet 140162, MedGen C0027672, MeSH D009386, MONDO:0015356.
Hereditary breast ovarian cancer syndrome. Also called: Hereditary breast and ovarian cancer; Breast and ovarian cancer; Hereditary breast and/or ovarian cancer syndrome; Hereditary breast and ovarian cancer syndrome (HBOC); Hereditary breast and ovarian cancer syndrome; BRCA1- and BRCA2-Associated Hereditary Breast and Ovarian Cancer. Identifiers: Orphanet 145, MedGen C0677776, MeSH D061325, MONDO:0003582. Disease mechanism: loss of function.
Breast-ovarian cancer, familial, susceptibility to, 2 (BROVCA2). Also called: BRCA2 Hereditary Breast and Ovarian Cancer. Identifiers: Orphanet 145, MedGen C2675520, MONDO:0012933, OMIM 612555. Disease mechanism: loss of function.

Allele frequency attached by ClinVar (database versions not stated): ExAC 0.00003; gnomAD exomes 0.00004 and 0.00009; gnomAD 0.00005; TOPMed 0.00005; ESP Exome Variant Server 0.00015.
gnomAD v4.1: 134 of 1,608,738 alleles (0.0083%); highest among the groups gnomAD compares: Non-Finnish European, 0.011%; no homozygotes.

Submissions (19):

Evidence-based Network for the Interpretation of Germline Mutant Alleles (ENIGMA)
Classification: Benign for Breast-ovarian cancer, familial, susceptibility to, 2. Last evaluated: 2019-06-18. Review status: reviewed by expert panel. Criteria: ENIGMA BRCA1/2 Classification Criteria (2017-06-29). Collection method: curation. Allele origin: germline.
Comment: IARC class based on posterior probability from multifactorial likelihood analysis, thresholds for class as per Plon et al. 2008 (PMID: 18951446). Class 1 based on posterior probability = 0.00059

Labcorp Genetics (formerly Invitae), Labcorp
Classification: Benign for Hereditary breast ovarian cancer syndrome. Last evaluated: 2026-01-02. Review status: criteria provided, single submitter. Criteria: Invitae Variant Classification Sherloc (09022015). Collection method: clinical testing. Allele origin: germline. Not counted in ClinVar's aggregate classification.

CeGaT Center for Human Genetics Tuebingen
Classification: Likely benign. Last evaluated: 2025-10-01. Review status: criteria provided, single submitter. Criteria: CeGaT Center For Human Genetics Tuebingen Variant Classification Criteria Version 2. Collection method: clinical testing. Allele origin: germline. Affected: yes. Observed: 3 variant alleles. Not counted in ClinVar's aggregate classification.
Comment: BRCA2: BP4, BS1

Mayo Clinic Laboratories, Mayo Clinic
Classification: Benign. Last evaluated: 2025-05-27. Review status: criteria provided, single submitter. Criteria: ACMG Guidelines, 2015. Collection method: clinical testing. Allele origin: germline. Observed: 1 variant allele. Not counted in ClinVar's aggregate classification.
Comment: BS1_supporting, BP1_strong, BP5_strong

Center for Genomic Medicine, Rigshospitalet, Copenhagen University Hospital
Classification: Benign. Last evaluated: 2025-03-04. Review status: criteria provided, single submitter. Criteria: ACMG Guidelines, 2015. Collection method: clinical testing. Allele origin: germline. Not counted in ClinVar's aggregate classification.

Quest Diagnostics Nichols Institute San Juan Capistrano
Classification: Likely benign. Last evaluated: 2025-02-13. Review status: criteria provided, single submitter. Criteria: Quest Diagnostics criteria. Collection method: clinical testing. Allele origin: unknown. Not counted in ClinVar's aggregate classification.

CHEO Genetics Diagnostic Laboratory, Children's Hospital of Eastern Ontario
Classification: Likely benign for Breast and/or ovarian cancer. Last evaluated: 2022-11-03. Review status: criteria provided, single submitter. Criteria: ACMG Guidelines, 2015. Collection method: clinical testing. Allele origin: germline. Not counted in ClinVar's aggregate classification.

Women's Health and Genetics/Laboratory Corporation of America, LabCorp
Classification: Benign. Last evaluated: 2022-05-02. Review status: criteria provided, single submitter. Criteria: LabCorp Variant Classification Summary - May 2015. Collection method: clinical testing. Allele origin: germline. Not counted in ClinVar's aggregate classification.
Comment: Variant summary: BRCA2 c.5552T>G (p.Ile1851Ser) results in a non-conservative amino acid change in the encoded protein sequence. Four of five in-silico tools predict a benign effect of the variant on protein function. The variant allele was found at a frequency of 5.2e-05 in 269076 control chromosomes. This frequency is not significantly higher than estimated for a pathogenic variant in BRCA2 causing Hereditary Breast And Ovarian Cancer Syndrome (5.2e-05 vs 0.00075), allowing no conclusion about variant significance. c.5552T>G has been reported in the literature in individuals affected with breast cancer and/or ovarian cancer (Levanat_2012, Schenkel_2016). These report(s) do not provide unequivocal conclusions about association of the variant with Hereditary Breast And Ovarian Cancer Syndrome. The variant has also been reported in two cancer-free individuals older than age 70 (FLOSSIES database), suggesting a non-pathogenic role. At-least one co-occurrence with another pathogenic variant(s) have been reported in the BIC database (BRCA2 c.5351dupA, p.Asn1784fsX3), providing supporting evidence for a benign role. To our knowledge, no experimental evidence demonstrating an impact on protein function has been reported. Multiple clinical diagnostic laboratories and an expert panel (ENIGMA) have submitted clinical-significance assessments for this variant to ClinVar after 2014 with a predominant consensus as benign (including the expert panel)/likely benign (n=7) (VUS, n=2). Based on the evidence outlined above, the variant was classified as benign.

GeneDx
Classification: Likely benign. Last evaluated: 2021-05-02. Review status: criteria provided, single submitter. Criteria: GeneDx Variant Classification Process June 2021. Collection method: clinical testing. Allele origin: germline. Affected: yes. Not counted in ClinVar's aggregate classification.
Comment: In silico analysis, which includes protein predictors and evolutionary conservation, supports a deleterious effect; This variant is associated with the following publications: (PMID: 22703879, 16683254, 22366370, 27376475, 24817641, 20167696, 18403564, 31131967)

Sema4
Classification: Likely benign for Hereditary cancer-predisposing syndrome. Last evaluated: 2021-03-21. Review status: criteria provided, single submitter. Criteria: Sema4 Curation Guidelines. Collection method: curation. Allele origin: germline. Not counted in ClinVar's aggregate classification.

ARUP Laboratories, Molecular Genetics and Genomics, ARUP Laboratories
Classification: Uncertain significance. Last evaluated: 2018-07-17. Review status: criteria provided, single submitter. Criteria: ARUP Molecular Germline Variant Investigation Process. Collection method: clinical testing. Allele origin: germline. Not counted in ClinVar's aggregate classification.
Comment: The BRCA2 c.5552T>G; p.Ile1851Ser variant (rs80358776), to our knowledge, has not been described in the medical literature but contains an entry in ClinVar (Variation ID: 37972). It is observed in the European (Non-Finnish) population at an overall frequency of 0.01% (11/110504 alleles) in the Genome Aggregation Database. The isoleucine at codon 1851 is weakly conserved, and computational algorithms (PolyPhen-2, SIFT) predict that this variant is tolerated. However, due to lack of clinical and functional data regarding this variant, its clinical significance cannot be determined with certainty.

Fulgent Genetics
Classification: Uncertain significance for Breast-ovarian cancer, familial, susceptibility to, 2. Last evaluated: 2016-01-26. Review status: criteria provided, single submitter. Criteria: ACMG Guidelines, 2015. Collection method: clinical testing. Allele origin: unknown. Not counted in ClinVar's aggregate classification.

Color Diagnostics, LLC DBA Color Health
Classification: Likely benign for Hereditary cancer-predisposing syndrome. Last evaluated: 2015-04-14. Review status: criteria provided, single submitter. Criteria: ACMG Guidelines, 2015. Collection method: clinical testing. Allele origin: germline. Not counted in ClinVar's aggregate classification.

Ambry Genetics
Classification: Benign for Hereditary cancer-predisposing syndrome. Last evaluated: 2014-11-19. Review status: criteria provided, single submitter. Criteria: Ambry Variant Classification Scheme 2023. Collection method: clinical testing. Allele origin: germline. Not counted in ClinVar's aggregate classification.

BRCAlab, Lund University
Classification: Benign for Breast-ovarian cancer, familial, susceptibility to, 2. Last evaluated: 2020-03-02. Review status: no assertion criteria provided. Collection method: clinical testing. Allele origin: germline. Affected: yes. Not counted in ClinVar's aggregate classification.

PreventionGenetics, part of Exact Sciences
Classification: Likely benign for BRCA2-related condition. Last evaluated: 2019-12-05. Review status: no assertion criteria provided. Collection method: clinical testing. Allele origin: germline. Not counted in ClinVar's aggregate classification.
Comment: This variant is classified as likely benign based on ACMG/AMP sequence variant interpretation guidelines (Richards et al. 2015 PMID: 25741868, with internal and published modifications).

Biesecker Lab/Clinical Genomics Section, National Institutes of Health
Classification: Uncertain significance. Last evaluated: 2012-07-13. Review status: no assertion criteria provided. Collection method: research. Allele origin: germline. Affected: no. Observed: 1 variant allele. Study: ClinSeq. Not counted in ClinVar's aggregate classification.
ClinVar note: Converted during submission from variant of unknown significance to Uncertain significance.

Sharing Clinical Reports Project (SCRP)
Classification: Benign for Breast-ovarian cancer, familial 2. Last evaluated: 2008-12-10. Review status: no assertion criteria provided. Collection method: clinical testing. Allele origin: germline. Not counted in ClinVar's aggregate classification.

Breast Cancer Information Core (BIC) (BRCA2)
Classification: Uncertain significance for Breast-ovarian cancer, familial 2. Last evaluated: 2002-05-29. Review status: no assertion criteria provided. Collection method: clinical testing. Allele origin: germline. Affected: yes. Observed: 8 variant alleles. Not counted in ClinVar's aggregate classification.

Literature cited by the submitters: PubMed 31131967 (cited by Evidence-based Network for the Interpretation of Germline Mutant Alleles (ENIGMA) and Quest Diagnostics Nichols Institute San Juan Capistrano); PubMed 27600092 (cited by Quest Diagnostics Nichols Institute San Juan Capistrano and Women's Health and Genetics/Laboratory Corporation of America, LabCorp); PubMed 25348012 (cited by Quest Diagnostics Nichols Institute San Juan Capistrano and Women's Health and Genetics/Laboratory Corporation of America, LabCorp); PubMed 24817641 (cited by Quest Diagnostics Nichols Institute San Juan Capistrano and Women's Health and Genetics/Laboratory Corporation of America, LabCorp); PubMed 20167696 (cited by Quest Diagnostics Nichols Institute San Juan Capistrano and Women's Health and Genetics/Laboratory Corporation of America, LabCorp); PubMed 18403564 (cited by Quest Diagnostics Nichols Institute San Juan Capistrano and Women's Health and Genetics/Laboratory Corporation of America, LabCorp); PubMed 22366370 (cited by Quest Diagnostics Nichols Institute San Juan Capistrano and Women's Health and Genetics/Laboratory Corporation of America, LabCorp); PubMed 38271184 (cited by Quest Diagnostics Nichols Institute San Juan Capistrano); PubMed 16683254 (cited by Quest Diagnostics Nichols Institute San Juan Capistrano and Women's Health and Genetics/Laboratory Corporation of America, LabCorp); PubMed 33471991 (cited by Quest Diagnostics Nichols Institute San Juan Capistrano); PubMed 27376475 (cited by Quest Diagnostics Nichols Institute San Juan Capistrano and Women's Health and Genetics/Laboratory Corporation of America, LabCorp).

NM_000059.4(BRCA2):c.5552T>G (p.Ile1851Ser)

Gene: BRCA2 (BRCA2 DNA repair associated; plus strand). Cytogenetic location: 13q13.1.
Variant type: single nucleotide variant.
Coding change: c.5552T>G on transcript NM_000059.4 (MANE Select); coding-DNA position 5552, T replaced by G.
Protein change: p.Ile1851Ser; replaces isoleucine 1851 with serine.
Molecular consequence: missense variant.
Genome position (GRCh38, 1-based): chr13:32,339,907, T>G. VCF-style: chr13-32339907-T-G. GRCh37 (hg19) VCF-style: chr13-32914044-T-G.
Other names: p.I1851S:ATC>AGC; 5780T>G; short protein forms I1851S.
Identifiers: ClinVar variation 37972 (VCV000037972.78), dbSNP rs80358776, ClinGen allele CA022535.
Genomic context (GRCh38, chr13:32,339,907, plus strand): 5'-TATCTAATAGTAATAATTTTGAGGTAGGGCCACCTGCATTTAGGATAGCCAGTGGTAAAA[T>G]CGTTTGTGTTTCACATGAAACAATTAAAAAAGTGAAAGACATATTTACAGACAGTTTCAG-3'
Protein context (NP_000050.3, residues 1841-1861): PPAFRIASGK[Ile1851Ser]VCVSHETIKK